The following is an entry in ClinVar:

ClinVar aggregate classification (germline): Benign/Likely benign. Review status: criteria provided, multiple submitters, no conflicts (2 of 4 stars). 11 submissions from 11 submitters: Benign (8); Likely benign (2). 1 of the submissions does not count toward it. Last evaluated 2026-02-02.

Conditions:
Alport syndrome. Also called: Hemorrhagic familial nephritis; Hemorrhagic hereditary nephritis; Congenital hereditary hematuria. Identifiers: Orphanet 63, MedGen C1567741, MONDO:0018965.
Atypical hemolytic-uremic syndrome. Identifiers: Orphanet 2134, MedGen C2931788, MONDO:0016244.

Allele frequency attached by ClinVar (database versions not stated): gnomAD exomes 0.00173 and 0.00443; ExAC 0.00514; 1000 Genomes Project 0.01558; 1000 Genomes Project 30x 0.01749; gnomAD 0.01848 and 0.01995; ESP Exome Variant Server 0.02025; TOPMed 0.02153.
gnomAD v4.1: 5,453 of 1,614,046 alleles (0.34%); highest among the groups gnomAD compares: African/African-American, 6.6%; 145 homozygotes.

Submissions (11):

Labcorp Genetics (formerly Invitae), Labcorp
Classification: Benign. Last evaluated: 2026-02-02. Review status: criteria provided, single submitter. Criteria: Invitae Variant Classification Sherloc (09022015). Collection method: clinical testing. Allele origin: germline.

Athena Diagnostics
Classification: Benign. Last evaluated: 2024-06-24. Review status: criteria provided, single submitter. Criteria: Athena Diagnostics Criteria. Collection method: clinical testing. Allele origin: unknown.

Mayo Clinic Laboratories, Mayo Clinic
Classification: Benign. Last evaluated: 2023-04-03. Review status: criteria provided, single submitter. Criteria: ACMG Guidelines, 2015. Collection method: clinical testing. Allele origin: germline. Observed: 9 variant alleles.

Genome Diagnostics Laboratory, The Hospital for Sick Children
Classification: Benign for Atypical hemolytic-uremic syndrome. Last evaluated: 2022-08-06. Review status: criteria provided, single submitter. Criteria: ACMG Guidelines, 2015. Collection method: clinical testing. Allele origin: germline.

Women's Health and Genetics/Laboratory Corporation of America, LabCorp
Classification: Benign. Last evaluated: 2020-02-01. Review status: criteria provided, single submitter. Criteria: LabCorp Variant Classification Summary - May 2015. Collection method: clinical testing. Allele origin: germline.

GeneDx
Classification: Benign. Last evaluated: 2018-04-10. Review status: criteria provided, single submitter. Criteria: GeneDx Variant Classification (06012015). Collection method: clinical testing. Allele origin: germline. Affected: yes.
Comment: This variant is considered likely benign or benign based on one or more of the following criteria: it is a conservative change, it occurs at a poorly conserved position in the protein, it is predicted to be benign by multiple in silico algorithms, and/or has population frequency not consistent with disease.

Illumina Laboratory Services, Illumina
Classification: Likely benign for Alport syndrome. Last evaluated: 2017-04-27. Review status: criteria provided, single submitter. Criteria: ICSL Variant Classification Criteria 13 December 2019. Collection method: clinical testing. Allele origin: germline.
Comment: This variant was observed as part of a predisposition screen in an ostensibly healthy population. A literature search was performed for the gene, cDNA change, and amino acid change (where applicable). No publications were found based on this search. Allele frequency data from public databases allowed determination this variant is unlikely to cause disease. Therefore, this variant is classified as likely benign.

Laboratory for Molecular Medicine, Mass General Brigham Personalized Medicine
Classification: Benign. Last evaluated: 2016-03-21. Review status: criteria provided, single submitter. Criteria: LMM Criteria. Collection method: clinical testing. Allele origin: germline. Observed: 8 variant alleles.
Comment: p.Pro905Pro in exon 33 of COL4A3: This variant is not expected to have clinical significance because it does not alter an amino acid residue, is not located wit hin the splice consensus sequence, and has been identified in 6.09% (596/9794) o f African chromosomes by the Exome Aggregation Consortium (ExAC; dbSNP rs75519005).

Breakthrough Genomics
Classification: Likely benign. Review status: criteria provided, single submitter. Criteria: ACMG Guidelines, 2015. Collection method: not provided. Allele origin: germline. Inheritance: Autosomal recessive inheritance. Affected: yes.

PreventionGenetics, part of Exact Sciences
Classification: Benign. Review status: criteria provided, single submitter. Criteria: ACMG Guidelines, 2015. Collection method: clinical testing. Allele origin: germline.

Natera, Inc.
Classification: Benign for Alport syndrome. Last evaluated: 2020-09-16. Review status: no assertion criteria provided. Collection method: clinical testing. Allele origin: germline. Not counted in ClinVar's aggregate classification.

NM_000091.5(COL4A3):c.2715C>T (p.Pro905=)

Genes: COL4A3 (collagen type IV alpha 3 chain; plus strand), MFF-DT (MFF divergent transcript; minus strand). Cytogenetic location: 2q36.3.
Variant type: single nucleotide variant.
Coding change: c.2715C>T on transcript NM_000091.5 (MANE Select); coding-DNA position 2715, C replaced by T.
Protein change: p.Pro905=; no amino-acid change (proline 905 retained).
Molecular consequence: synonymous variant.
Genome position (GRCh38, 1-based): chr2:227,283,825, C>T. VCF-style: chr2-227283825-C-T. GRCh37 (hg19) VCF-style: chr2-228148541-C-T.
Other names: p.Pro905=.
Identifiers: ClinVar variation 254988 (VCV000254988.28), dbSNP rs75519005, ClinGen allele CA2146996.